The following is an entry in ClinVar:

NM_007294.4(BRCA1):c.5233A>G (p.Asn1745Asp)

Gene: BRCA1 (BRCA1 DNA repair associated; minus strand). Cytogenetic location: 17q21.31.
Variant type: single nucleotide variant.
Coding change: c.5233A>G on transcript NM_007294.4 (MANE Select); coding-DNA position 5233, A replaced by G.
Protein change: p.Asn1745Asp; replaces asparagine 1745 with aspartic acid.
Molecular consequence: missense variant. On other transcripts: non-coding transcript variant (1).
Genome position (GRCh38, 1-based): chr17:43,057,096, T>C on the plus strand (A>G on the coding strand, the complement: BRCA1 is on the minus strand). VCF-style: chr17-43057096-T-C. GRCh37 (hg19) VCF-style: chr17-41209113-T-C.
Other names: c.5149A>G, p.Asn1717Asp (NM_001407660.1, NM_001407661.1, NM_001407662.1 and 2 more transcripts); c.5110A>G, p.Asn1704Asp (NM_001407664.1, NM_001407665.1, NM_001407666.1 and 6 more transcripts); c.5107A>G, p.Asn1703Asp (NM_001407679.1, NM_001407680.1, NM_001407670.1 and 10 more transcripts); c.5104A>G, p.Asn1702Asp (NM_001407681.1, NM_001407682.1, NM_001407683.1 and 6 more transcripts); c.5233A>G, p.Asn1745Asp (NM_001407684.1, NM_001407854.1, NM_001407593.1 and 7 more transcripts); c.5089A>G, p.Asn1697Asp (NM_001407743.1, NM_001407744.1, NM_001407745.1 and 21 more transcripts); c.5092A>G, p.Asn1698Asp (NM_001407724.1, NM_001407725.1, NM_001407726.1 and 13 more transcripts); c.5086A>G, p.Asn1696Asp (NM_001407848.1, NM_001407849.1, NM_001407850.1 and 12 more transcripts); and 72 more; short protein forms N641D, N1698D, N1766D, N1745D, N1576D, N1633D, N1634D, N1657D.
Identifiers: ClinVar variation 868208 (VCV000868208.3), dbSNP rs2051514369, ClinGen allele CA10591076.

Conditions:
Breast-ovarian cancer, familial, susceptibility to, 1 (BROVCA1). Also called: BRCA1 Hereditary Breast and Ovarian Cancer; OVARIAN CANCER, SUSCEPTIBILITY TO. Identifiers: Orphanet 145, MedGen C2676676, MONDO:0011450, OMIM 604370. Disease mechanism: loss of function.

Submission:

Brotman Baty Institute, University of Washington
No classification provided (evidence only). Condition: Breast-ovarian cancer, familial 1. Review status: no classification provided. Collection method: in vitro. Allele origin: not applicable. Functional consequence: functionally_normal.
ClinVar note: "not provided" was previously submitted as the classification for the variant. However, the classification appeared to be based only on an observation of functional data so it was converted to no classification on 2025-07-30.